The following is an entry in ClinVar:

ClinVar aggregate classification (germline): Uncertain significance (1 of 4 stars; one submission).

Submission:

GeneDx
Classification: Uncertain significance. Last evaluated: 2025-01-21. Review status: criteria provided, single submitter. Criteria: GeneDx Variant Classification Process June 2021. Collection method: clinical testing. Allele origin: germline. Affected: yes.
Comment: Not observed at significant frequency in large population cohorts (gnomAD); In silico analysis indicates that this missense variant does not alter protein structure/function; Has not been previously published as pathogenic or benign to our knowledge

NM_004973.4(JARID2):c.1115A>G (p.Asn372Ser)

Gene: JARID2 (jumonji and AT-rich interaction domain containing 2; plus strand). Cytogenetic location: 6p22.3.
Variant type: single nucleotide variant.
Coding change: c.1115A>G on transcript NM_004973.4 (MANE Select); coding-DNA position 1115, A replaced by G.
Protein change: p.Asn372Ser; replaces asparagine 372 with serine.
Molecular consequence: missense variant.
Genome position (GRCh38, 1-based): chr6:15,496,340, A>G. VCF-style: chr6-15496340-A-G. GRCh37 (hg19) VCF-style: chr6-15496571-A-G.
Other names: c.599A>G, p.Asn200Ser (NM_001267040.1); short protein forms N200S, N372S.
Identifiers: ClinVar variation 4070757 (VCV004070757.1).
Genomic context (GRCh38, chr6:15,496,340, plus strand): 5'-CCAAGAGAGAACTGGTCAAGGACACCAAACCCAATCACCACAAGCCCAGTTCCGCTGTCA[A>G]CCACACAATCTCAGGGAAAACTGAAAGTAGCAATGCAAAAACCCGCAAACAGGTGCTATC-3'
Protein context (NP_004964.2, residues 362-382): PNHHKPSSAV[Asn372Ser]HTISGKTESS